The following is an entry in ClinVar:

ClinVar aggregate classification (germline): Uncertain significance. Review status: criteria provided, multiple submitters, no conflicts (2 of 4 stars). 4 submissions from 4 submitters: Uncertain significance (4). Last evaluated 2026-03-25.

Conditions:
Ehlers-Danlos syndrome, kyphoscoliotic type 1 (EDSKSCL1). Also called: EHLERS-DANLOS SYNDROME, OCULAR-SCOLIOTIC TYPE; PLOD1-Related Kyphoscoliotic Ehlers-Danlos Syndrome; EHLERS-DANLOS SYNDROME, TYPE VIA; Ehlers-Danlos syndrome, hydroxylysine-deficient. Identifiers: Orphanet 1900, MedGen C0268342, MONDO:0016002, OMIM 225400. Disease mechanism: loss of function.
Familial thoracic aortic aneurysm and aortic dissection (TAAD). Also called: Thoracic aortic aneurysms and dissections. Identifiers: Orphanet 91387, MedGen C4707243, MONDO:0019625.

Allele frequency attached by ClinVar (database versions not stated): TOPMed 0.00001; gnomAD 0.00001; ESP Exome Variant Server 0.00008.

Submissions (4):

GeneDx
Classification: Uncertain significance. Last evaluated: 2026-03-25. Review status: criteria provided, single submitter. Criteria: GeneDx Variant Classification Process June 2021. Collection method: clinical testing. Allele origin: germline.
Comment: Not observed at significant frequency in large population cohorts (gnomAD); In silico analysis suggests that this missense variant does not alter protein structure/function; Has not been previously published as pathogenic or benign to our knowledge

Ambry Genetics
Classification: Uncertain significance for Familial thoracic aortic aneurysm and aortic dissection. Last evaluated: 2025-09-05. Review status: criteria provided, single submitter. Criteria: Ambry Variant Classification Scheme 2023. Collection method: clinical testing. Allele origin: germline.
Comment: The p.I535V variant (also known as c.1603A>G), located in coding exon 15 of the PLOD1 gene, results from an A to G substitution at nucleotide position 1603. The isoleucine at codon 535 is replaced by valine, an amino acid with highly similar properties. This amino acid position is highly conserved in available vertebrate species. In addition, the in silico prediction for this alteration is inconclusive. Based on the available evidence, the clinical significance of this variant remains unclear.

Labcorp Genetics (formerly Invitae), Labcorp
Classification: Uncertain significance for Ehlers-Danlos syndrome, kyphoscoliotic type 1. Last evaluated: 2024-09-21. Review status: criteria provided, single submitter. Criteria: Invitae Variant Classification Sherloc (09022015). Collection method: clinical testing. Allele origin: germline.
Comment: This sequence change replaces isoleucine, which is neutral and non-polar, with valine, which is neutral and non-polar, at codon 535 of the PLOD1 protein (p.Ile535Val). This variant is present in population databases (rs376017234, gnomAD 0.007%). This variant has not been reported in the literature in individuals affected with PLOD1-related conditions. ClinVar contains an entry for this variant (Variation ID: 1162834). Invitae Evidence Modeling of protein sequence and biophysical properties (such as structural, functional, and spatial information, amino acid conservation, physicochemical variation, residue mobility, and thermodynamic stability) indicates that this missense variant is not expected to disrupt PLOD1 protein function with a negative predictive value of 80%. In summary, the available evidence is currently insufficient to determine the role of this variant in disease. Therefore, it has been classified as a Variant of Uncertain Significance.

Mayo Clinic Laboratories, Mayo Clinic
Classification: Uncertain significance. Last evaluated: 2020-09-17. Review status: criteria provided, single submitter. Criteria: ACMG Guidelines, 2015. Collection method: clinical testing. Allele origin: germline. Observed: 1 variant allele.

NM_000302.4(PLOD1):c.1603A>G (p.Ile535Val)

Gene: PLOD1 (procollagen-lysine,2-oxoglutarate 5-dioxygenase 1; plus strand). Cytogenetic location: 1p36.22.
Variant type: single nucleotide variant.
Coding change: c.1603A>G on transcript NM_000302.4 (MANE Select); coding-DNA position 1603, A replaced by G.
Protein change: p.Ile535Val; replaces isoleucine 535 with valine.
Molecular consequence: missense variant.
Genome position (GRCh38, 1-based): chr1:11,966,269, A>G. VCF-style: chr1-11966269-A-G. GRCh37 (hg19) VCF-style: chr1-12026326-A-G.
Other names: c.1744A>G, p.Ile582Val (NM_001316320.2); short protein forms I535V, I582V.
Identifiers: ClinVar variation 1162834 (VCV001162834.11), dbSNP rs376017234, ClinGen allele CA598479.